The following is an entry in ClinVar:

ClinVar aggregate classification (germline): Likely benign (1 of 4 stars; one submission).

Allele frequency attached by ClinVar (database versions not stated): TOPMed 0.00031; gnomAD 0.00035; ExAC 0.00063; ESP Exome Variant Server 0.00131.

Submission:

CeGaT Center for Human Genetics Tuebingen
Classification: Likely benign. Last evaluated: 2025-08-01. Review status: criteria provided, single submitter. Criteria: CeGaT Center For Human Genetics Tuebingen Variant Classification Criteria Version 2. Collection method: clinical testing. Allele origin: germline. Affected: yes. Observed: 2 variant alleles.
Comment: SSC5D: BP4, BP7

NM_001144950.2(SSC5D):c.1296G>A (p.Pro432=)

Gene: SSC5D (scavenger receptor cysteine rich family member with 5 domains; plus strand). Cytogenetic location: 19q13.42.
Variant type: single nucleotide variant.
Coding change: c.1296G>A on transcript NM_001144950.2 (MANE Select); coding-DNA position 1296, G replaced by A.
Protein change: p.Pro432=; no amino-acid change (proline 432 retained).
Molecular consequence: synonymous variant.
Genome position (GRCh38, 1-based): chr19:55,494,692, G>A. VCF-style: chr19-55494692-G-A. GRCh37 (hg19) VCF-style: chr19-56006059-G-A.
Other names: c.1296G>A, p.Pro432= (NM_001195267.2).
Identifiers: ClinVar variation 2650526 (VCV002650526.24), dbSNP rs376812685, ClinGen allele CA9676475.